The following is an entry in ClinVar:

NM_014264.5(PLK4):c.1775C>T (p.Ser592Phe)

Gene: PLK4 (polo like kinase 4; plus strand). Cytogenetic location: 4q28.1.
Variant type: single nucleotide variant.
Coding change: c.1775C>T on transcript NM_014264.5 (MANE Select); coding-DNA position 1775, C replaced by T.
Protein change: p.Ser592Phe; replaces serine 592 with phenylalanine.
Molecular consequence: missense variant.
Genome position (GRCh38, 1-based): chr4:127,890,181, C>T. VCF-style: chr4-127890181-C-T. GRCh37 (hg19) VCF-style: chr4-128811336-C-T.
Other names: c.1679C>T, p.Ser560Phe (NM_001190799.2); c.1652C>T, p.Ser551Phe (NM_001190801.2); short protein forms S592F, S551F, S560F.
Identifiers: ClinVar variation 436340 (VCV000436340.13), dbSNP rs141081905, ClinGen allele CA3076838.

ClinVar aggregate classification (germline): Conflicting classifications of pathogenicity. Review status: criteria provided, conflicting classifications (1 of 4 stars). 4 submissions from 4 submitters: Uncertain significance (3); Likely benign (1). Last evaluated 2025-03-18.

Conditions:
PLK4-related disorder. Also called: PLK4-related condition.

Allele frequency attached by ClinVar (database versions not stated): ExAC 0.00017; 1000 Genomes Project 30x 0.00031; 1000 Genomes Project 0.00040; gnomAD 0.00059 and 0.00066; TOPMed 0.00071; ESP Exome Variant Server 0.00077.
gnomAD v4.1: 203 of 1,613,484 alleles (0.013%); highest among the groups gnomAD compares: African/African-American, 0.23%; no homozygotes.

Submissions (4):

PreventionGenetics, part of Exact Sciences
Classification: Likely benign for PLK4-related condition. Last evaluated: 2025-03-18. Review status: criteria provided, single submitter. Criteria: ACMG Guidelines, 2015. Collection method: clinical testing. Allele origin: germline.
Comment: This variant is classified as likely benign based on ACMG/AMP sequence variant interpretation guidelines (Richards et al. 2015 PMID: 25741868, with internal and published modifications).

Labcorp Genetics (formerly Invitae), Labcorp
Classification: Uncertain significance. Last evaluated: 2025-01-23. Review status: criteria provided, single submitter. Criteria: Invitae Variant Classification Sherloc (09022015). Collection method: clinical testing. Allele origin: germline.
Comment: This sequence change replaces serine, which is neutral and polar, with phenylalanine, which is neutral and non-polar, at codon 592 of the PLK4 protein (p.Ser592Phe). This variant is present in population databases (rs141081905, gnomAD 0.1%). This variant has not been reported in the literature in individuals affected with PLK4-related conditions. ClinVar contains an entry for this variant (Variation ID: 436340). An algorithm developed to predict the effect of missense changes on protein structure and function (PolyPhen-2) suggests that this variant is likely to be disruptive. In summary, the available evidence is currently insufficient to determine the role of this variant in disease. Therefore, it has been classified as a Variant of Uncertain Significance.

GeneDx
Classification: Uncertain significance. Last evaluated: 2019-06-06. Review status: criteria provided, single submitter. Criteria: GeneDx Variant Classification Process June 2021. Collection method: clinical testing. Allele origin: germline. Affected: yes.
Comment: In silico analysis, which includes protein predictors and evolutionary conservation, supports a deleterious effect; Has not been previously published as pathogenic or benign to our knowledge

Genetic Services Laboratory, University of Chicago
Classification: Uncertain significance. Last evaluated: 2016-08-19. Review status: criteria provided, single submitter. Criteria: ACMG Guidelines, 2015. Collection method: clinical testing. Allele origin: germline. Affected: no.